The following is an entry in ClinVar:

ClinVar aggregate classification (germline): Conflicting classifications of pathogenicity. Review status: criteria provided, conflicting classifications (1 of 4 stars). 2 submissions from 2 submitters: Uncertain significance (1); Likely benign (1). Last evaluated 2025-08-09.

gnomAD v4.1: 17 of 1,612,760 alleles (0.0011%); highest among the groups gnomAD compares: Non-Finnish European, 0.0013%; no homozygotes.

Submissions (2):

Ambry Genetics
Classification: Likely benign. Last evaluated: 2025-08-09. Review status: criteria provided, single submitter. Criteria: Ambry Variant Classification Scheme 2023. Collection method: clinical testing. Allele origin: germline.

Labcorp Genetics (formerly Invitae), Labcorp
Classification: Uncertain significance. Last evaluated: 2025-05-14. Review status: criteria provided, single submitter. Criteria: Invitae Variant Classification Sherloc (09022015). Collection method: clinical testing. Allele origin: germline.
Comment: This sequence change replaces valine, which is neutral and non-polar, with methionine, which is neutral and non-polar, at codon 1339 of the NIN protein (p.Val1339Met). This variant is present in population databases (rs375334077, gnomAD 0.004%). This variant has not been reported in the literature in individuals affected with NIN-related conditions. An algorithm developed to predict the effect of missense changes on protein structure and function outputs the following: PolyPhen-2: "Benign". The methionine amino acid residue is found in multiple mammalian species, which suggests that this missense change does not adversely affect protein function. In summary, the available evidence is currently insufficient to determine the role of this variant in disease. Therefore, it has been classified as a Variant of Uncertain Significance.

NM_020921.4(NIN):c.4015G>A (p.Val1339Met)

Gene: NIN (ninein; minus strand). Cytogenetic location: 14q22.1.
Variant type: single nucleotide variant.
Coding change: c.4015G>A on transcript NM_020921.4 (MANE Select); coding-DNA position 4015, G replaced by A.
Protein change: p.Val1339Met; replaces valine 1339 with methionine.
Molecular consequence: missense variant. On other transcripts: intron variant (1).
Genome position (GRCh38, 1-based): chr14:50,757,015, C>T on the plus strand (G>A on the coding strand, the complement: NIN is on the minus strand). VCF-style: chr14-50757015-C-T. GRCh37 (hg19) VCF-style: chr14-51223733-C-T.
Other names: c.4015G>A, p.Val1339Met (NM_182944.3, NM_182946.2); c.2400-2148G>A (NM_016350.5); short protein forms V1339M.
Identifiers: ClinVar variation 4119975 (VCV004119975.2).